The following is an entry in ClinVar:

ClinVar aggregate classification (germline): Pathogenic (1 of 4 stars; one submission).

Conditions:
Treacher Collins syndrome 1 (TCS1). Also called: TCOF1-Related Treacher Collins Syndrome. Identifiers: Orphanet 861, MedGen CN315775, MONDO:0007944, OMIM 154500.

Submission:

Labcorp Genetics (formerly Invitae), Labcorp
Classification: Pathogenic for Treacher Collins syndrome 1. Last evaluated: 2025-10-18. Review status: criteria provided, single submitter. Criteria: Invitae Variant Classification Sherloc (09022015). Collection method: clinical testing. Allele origin: germline.
Comment: This sequence change creates a premature translational stop signal (p.Gln411Profs*10) in the TCOF1 gene. It is expected to result in an absent or disrupted protein product. Loss-of-function variants in TCOF1 are known to be pathogenic (PMID: 8894686, 22317976). This variant is not present in population databases (gnomAD no frequency). This variant has not been reported in the literature in individuals affected with TCOF1-related conditions. For these reasons, this variant has been classified as Pathogenic.

Literature cited by the submitters: PubMed 8894686; PubMed 22317976.

NM_001371623.1(TCOF1):c.1231dup (p.Gln411fs)

Gene: TCOF1 (treacle ribosome biogenesis factor 1; plus strand). Cytogenetic location: 5q32.
Variant type: Duplication.
Coding change: c.1231dup on transcript NM_001371623.1 (MANE Select); coding-DNA position 1231, one base duplicated (C; older notation c.1231dupC).
Protein change: p.Gln411fs; shifts the reading frame from glutamine 411.
Molecular consequence: frameshift variant.
Genome position (GRCh38, 1-based): chr5:150,374,764, C duplicated. VCF-style (leftmost placement, unchanged base first): chr5-150374763-G-GC. GRCh37 (hg19) VCF-style: chr5-149754326-G-GC.
Other names: c.1000dup, p.Gln334fs (NM_000356.4, NM_001135245.2, NM_001437406.1); c.1231dup, p.Gln411fs (NM_001008657.3, NM_001135243.2, NM_001135244.2 and 1 more transcripts); short protein forms Q334fs, Q411fs.
Identifiers: ClinVar variation 4729476 (VCV004729476.1).